The following is an entry in ClinVar:

NM_000447.3(PSEN2):c.349G>A (p.Gly117Arg)

Gene: PSEN2 (presenilin 2; plus strand). Cytogenetic location: 1q42.13.
Variant type: single nucleotide variant.
Coding change: c.349G>A on transcript NM_000447.3 (MANE Select); coding-DNA position 349, G replaced by A.
Protein change: p.Gly117Arg; replaces glycine 117 with arginine.
Molecular consequence: missense variant.
Genome position (GRCh38, 1-based): chr1:226,883,912, G>A. VCF-style: chr1-226883912-G-A. GRCh37 (hg19) VCF-style: chr1-227071613-G-A.
Other names: c.349G>A, p.Gly117Arg (NM_012486.3); short protein forms G117R.
Identifiers: ClinVar variation 2722207 (VCV002722207.3), dbSNP rs1339822609, ClinGen allele CA345329902.

ClinVar aggregate classification (germline): Uncertain significance (1 of 4 stars; one submission).

Conditions:
Alzheimer disease 4 (AD4). Identifiers: Orphanet 1020, MedGen C1847200, MONDO:0011743, OMIM 606889.

Allele frequency attached by ClinVar (database versions not stated): gnomAD exomes 0.00001.
gnomAD v4.1: 7 of 1,611,414 alleles (0.00043%); highest among the groups gnomAD compares: Non-Finnish European, 0.00059%; no homozygotes.

Submission:

Labcorp Genetics (formerly Invitae), Labcorp
Classification: Uncertain significance for Alzheimer disease 4. Last evaluated: 2023-10-13. Review status: criteria provided, single submitter. Criteria: Invitae Variant Classification Sherloc (09022015). Collection method: clinical testing. Allele origin: germline.
Comment: This sequence change replaces glycine, which is neutral and non-polar, with arginine, which is basic and polar, at codon 117 of the PSEN2 protein (p.Gly117Arg). This variant is present in population databases (no rsID available, gnomAD 0.0009%). This variant has not been reported in the literature in individuals affected with PSEN2-related conditions. Advanced modeling of protein sequence and biophysical properties (such as structural, functional, and spatial information, amino acid conservation, physicochemical variation, residue mobility, and thermodynamic stability) performed at Invitae indicates that this missense variant is not expected to disrupt PSEN2 protein function. In summary, the available evidence is currently insufficient to determine the role of this variant in disease. Therefore, it has been classified as a Variant of Uncertain Significance.